The following is an entry in ClinVar:

ClinVar aggregate classification (germline): Likely benign. Review status: criteria provided, multiple submitters, no conflicts (2 of 4 stars). 2 submissions from 2 submitters: Likely benign (2). Last evaluated 2026-04-14.

Conditions:
Hereditary cancer-predisposing syndrome. Also called: Hereditary Cancer Syndrome; Hereditary neoplastic syndrome; Neoplastic Syndromes, Hereditary; Tumor predisposition. Identifiers: Orphanet 140162, MedGen C0027672, MeSH D009386, MONDO:0015356.
BRCA2-related disorder. Also called: BRCA2-related condition; BRCA2-related disorders. Identifiers: MedGen CN239275.

Submissions (2):

PreventionGenetics, part of Exact Sciences
Classification: Likely benign for BRCA2-related condition. Last evaluated: 2026-04-14. Review status: criteria provided, single submitter. Criteria: ACMG Guidelines, 2015. Collection method: clinical testing. Allele origin: germline.
Comment: This variant is classified as likely benign based on ACMG/AMP sequence variant interpretation guidelines (Richards et al. 2015 PMID: 25741868, with internal and published modifications).

Ambry Genetics
Classification: Likely benign for Hereditary cancer-predisposing syndrome. Last evaluated: 2025-06-23. Review status: criteria provided, single submitter. Criteria: Ambry Variant Classification Scheme 2023. Collection method: clinical testing. Allele origin: germline.

NM_000059.4(BRCA2):c.8214T>G (p.Ala2738=)

Gene: BRCA2 (BRCA2 DNA repair associated; plus strand). Cytogenetic location: 13q13.1.
Variant type: single nucleotide variant.
Coding change: c.8214T>G on transcript NM_000059.4 (MANE Select); coding-DNA position 8214, T replaced by G.
Protein change: p.Ala2738=; no amino-acid change (alanine 2738 retained).
Molecular consequence: synonymous variant. On other transcripts: non-coding transcript variant (1).
Genome position (GRCh38, 1-based): chr13:32,363,416, T>G. VCF-style: chr13-32363416-T-G. GRCh37 (hg19) VCF-style: chr13-32937553-T-G.
Other names: c.8118T>G, p.Ala2706= (NM_001406719.1); c.8214T>G, p.Ala2738= (NM_001406720.1, NM_001432077.1); c.3282T>G, p.Ala1094= (NM_001406721.1); c.1797T>G, p.Ala599= (NM_001406722.1).
Identifiers: ClinVar variation 4215476 (VCV004215476.2).